The following is an entry in ClinVar:

ClinVar aggregate classification (germline): Uncertain significance (1 of 4 stars; one submission).

Allele frequency attached by ClinVar (database versions not stated): gnomAD exomes below 0.00001; TOPMed below 0.00001; gnomAD 0.00001.
gnomAD v4.1: 3 of 1,611,670 alleles (0.00019%); highest among the groups gnomAD compares: African/African-American, 0.004%; no homozygotes.

Submission:

Labcorp Genetics (formerly Invitae), Labcorp
Classification: Uncertain significance. Last evaluated: 2022-08-23. Review status: criteria provided, single submitter. Criteria: Invitae Variant Classification Sherloc (09022015). Collection method: clinical testing. Allele origin: germline.
Comment: This sequence change replaces aspartic acid with valine at codon 363 of the UBA5 protein (p.Asp363Val). The aspartic acid residue is weakly conserved and there is a large physicochemical difference between aspartic acid and valine. This variant is present in population databases (no rsID available, gnomAD 0.007%). This variant has not been reported in the literature in individuals affected with UBA5-related conditions. ClinVar contains an entry for this variant (Variation ID: 1462889). Algorithms developed to predict the effect of missense changes on protein structure and function are either unavailable or do not agree on the potential impact of this missense change (SIFT: "Not Available"; PolyPhen-2: "Benign"; Align-GVGD: "Not Available"). In summary, the available evidence is currently insufficient to determine the role of this variant in disease. Therefore, it has been classified as a Variant of Uncertain Significance.

NM_024818.6(UBA5):c.1088A>T (p.Asp363Val)

Genes: NPHP3-ACAD11 (NPHP3-ACAD11 readthrough (NMD candidate); minus strand), UBA5 (ubiquitin like modifier activating enzyme 5; plus strand). Cytogenetic location: 3q22.1.
Variant type: single nucleotide variant.
Coding change: c.1088A>T on transcript NM_024818.6 (MANE Select); coding-DNA position 1088, A replaced by T.
Protein change: p.Asp363Val; replaces aspartic acid 363 with valine.
Molecular consequence: missense variant.
Genome position (GRCh38, 1-based): chr3:132,675,880, A>T. VCF-style: chr3-132675880-A-T. GRCh37 (hg19) VCF-style: chr3-132394724-A-T.
Other names: c.920A>T, p.Asp307Val (NM_198329.4, NM_001320210.2); c.818A>T, p.Asp273Val (NM_001321238.2); c.752A>T, p.Asp251Val (NM_001321239.1); short protein forms D251V, D273V, D363V, D307V.
Identifiers: ClinVar variation 1462889 (VCV001462889.5), dbSNP rs1489261004, ClinGen allele CA354576962.